The following is an entry in ClinVar:

NM_000057.4(BLM):c.3427G>T (p.Glu1143Ter)

Gene: BLM (BLM RecQ like helicase; plus strand). Cytogenetic location: 15q26.1.
Variant type: single nucleotide variant.
Coding change: c.3427G>T on transcript NM_000057.4 (MANE Select); coding-DNA position 3427, G replaced by T.
Protein change: p.Glu1143Ter; replaces glutamic acid 1143 with a stop codon.
Molecular consequence: nonsense. On other transcripts: intron variant (1).
Genome position (GRCh38, 1-based): chr15:90,803,589, G>T. VCF-style: chr15-90803589-G-T. GRCh37 (hg19) VCF-style: chr15-91346819-G-T.
Other names: c.3427G>T, p.Glu1143Ter (NM_001287246.2); c.2302G>T, p.Glu768Ter (NM_001287248.2); c.3358+5252G>T (NM_001287247.2); short protein forms E1143*, E768*.
Identifiers: ClinVar variation 3240928 (VCV003240928.2), dbSNP rs140387675.

ClinVar aggregate classification (germline): Pathogenic/Likely pathogenic. Review status: criteria provided, multiple submitters, no conflicts (2 of 4 stars). 2 submissions from 2 submitters: Pathogenic (1); Likely pathogenic (1). Last evaluated 2026-04-09.

Conditions:
Bloom syndrome (BLM). Also called: Bloom-Torre-Machacek syndrome. Identifiers: Orphanet 125, MedGen C0005859, MONDO:0008876, OMIM 210900.

Submissions (2):

Myriad Genetics, Inc.
Classification: Pathogenic for Bloom syndrome. Last evaluated: 2026-04-09. Review status: criteria provided, single submitter. Criteria: Myriad Autosomal Dominant, Autosomal Recessive and X-Linked Classification Criteria (2023). Collection method: clinical testing. Allele origin: unknown.
Comment: This variant is considered pathogenic. This variant creates a termination codon and is predicted to result in premature protein truncation.

Baylor Genetics
Classification: Likely pathogenic for Bloom syndrome. Last evaluated: 2024-01-16. Review status: criteria provided, single submitter. Criteria: ACMG Guidelines, 2015. Collection method: clinical testing. Allele origin: unknown.